The following is an entry in ClinVar:

ClinVar aggregate classification (germline): Uncertain significance (1 of 4 stars; one submission).

Conditions:
X-linked agammaglobulinemia with growth hormone deficiency (IGHD3). Also called: AGAMMAGLOBULINEMIA AND ISOLATED GROWTH HORMONE DEFICIENCY, X-LINKED; FLEISHER SYNDROME; ISOLATED GROWTH HORMONE DEFICIENCY, TYPE III, WITH AGAMMAGLOBULINEMIA; Isolated growth hormone deficiency type 3; Growth hormone deficiency with hypogammaglobulinemia; HYPOGAMMAGLOBULINEMIA AND ISOLATED GROWTH HORMONE DEFICIENCY, X-LINKED. Identifiers: Orphanet 231692, Orphanet 631, MedGen C0472813, MONDO:0010615, OMIM 307200.

gnomAD v4.1: 3 of 1,211,662 alleles (0.00025%); highest among the groups gnomAD compares: Non-Finnish European, 0.00034%; no homozygotes.

Submission:

Labcorp Genetics (formerly Invitae), Labcorp
Classification: Uncertain significance for X-linked agammaglobulinemia with growth hormone deficiency. Last evaluated: 2025-10-14. Review status: criteria provided, single submitter. Criteria: Invitae Variant Classification Sherloc (09022015). Collection method: clinical testing. Allele origin: germline.
Comment: This sequence change replaces arginine, which is basic and polar, with tryptophan, which is neutral and slightly polar, at codon 182 of the BTK protein (p.Arg182Trp). This variant is not present in population databases (gnomAD no frequency). This variant has not been reported in the literature in individuals affected with BTK-related conditions. Invitae Evidence Modeling of protein sequence and biophysical properties (such as structural, functional, and spatial information, amino acid conservation, physicochemical variation, residue mobility, and thermodynamic stability) has been performed for this missense variant. However, the output from this modeling did not meet the statistical confidence thresholds required to predict the impact of this variant on BTK protein function. In summary, the available evidence is currently insufficient to determine the role of this variant in disease. Therefore, it has been classified as a Variant of Uncertain Significance.

NM_000061.3(BTK):c.544C>T (p.Arg182Trp)

Gene: BTK (Bruton tyrosine kinase; minus strand). Cytogenetic location: Xq22.1.
Variant type: single nucleotide variant.
Coding change: c.544C>T on transcript NM_000061.3 (MANE Select); coding-DNA position 544, C replaced by T.
Protein change: p.Arg182Trp; replaces arginine 182 with tryptophan.
Molecular consequence: missense variant.
Genome position (GRCh38, 1-based): chrX:101,362,217, G>A on the plus strand (C>T on the coding strand, the complement: BTK is on the minus strand). VCF-style: chrX-101362217-G-A. GRCh37 (hg19) VCF-style: chrX-100617205-G-A.
Other names: c.646C>T, p.Arg216Trp (NM_001287344.2); c.544C>T, p.Arg182Trp (NM_001287345.2); short protein forms R182W, R216W.
Identifiers: ClinVar variation 4770958 (VCV004770958.1).